The following is an entry in ClinVar:

ClinVar aggregate classification (germline): Uncertain significance (1 of 4 stars; one submission).

Submission:

Labcorp Genetics (formerly Invitae), Labcorp
Classification: Uncertain significance. Last evaluated: 2022-07-09. Review status: criteria provided, single submitter. Criteria: Invitae Variant Classification Sherloc (09022015). Collection method: clinical testing. Allele origin: germline.
Comment: This sequence change replaces valine, which is neutral and non-polar, with phenylalanine, which is neutral and non-polar, at codon 421 of the ABCC8 protein (p.Val421Phe). This variant is not present in population databases (gnomAD no frequency). This variant has not been reported in the literature in individuals affected with ABCC8-related conditions. Advanced modeling of protein sequence and biophysical properties (such as structural, functional, and spatial information, amino acid conservation, physicochemical variation, residue mobility, and thermodynamic stability) performed at Invitae indicates that this missense variant is expected to disrupt ABCC8 protein function. In summary, the available evidence is currently insufficient to determine the role of this variant in disease. Therefore, it has been classified as a Variant of Uncertain Significance.

NM_000352.6(ABCC8):c.1261G>T (p.Val421Phe)

Gene: ABCC8 (ATP binding cassette subfamily C member 8; minus strand). Cytogenetic location: 11p15.1.
Variant type: single nucleotide variant.
Coding change: c.1261G>T on transcript NM_000352.6 (MANE Select); coding-DNA position 1261, G replaced by T.
Protein change: p.Val421Phe; replaces valine 421 with phenylalanine.
Molecular consequence: missense variant. On other transcripts: non-coding transcript variant (1).
Genome position (GRCh38, 1-based): chr11:17,448,587, C>A on the plus strand (G>T on the coding strand, the complement: ABCC8 is on the minus strand). VCF-style: chr11-17448587-C-A. GRCh37 (hg19) VCF-style: chr11-17470134-C-A.
Other names: c.1261G>T, p.Val421Phe (NM_001287174.3, NM_001351295.2); c.1258G>T, p.Val420Phe (NM_001351296.2, NM_001351297.2); short protein forms V421F, V420F.
Identifiers: ClinVar variation 2015572 (VCV002015572.1), dbSNP rs1591846104, ClinGen allele CA379768646.